The following is an entry in ClinVar:

ClinVar aggregate classification (germline): Uncertain significance (1 of 4 stars; one submission).

Conditions:
Glycogen storage disease, type II (IOPD). Also called: CARDIOMEGALIA GLYCOGENICA DIFFUSA; POMPE DISEASE, INFANTILE-ONSET; GLYCOGEN STORAGE DISEASE II, INFANTILE-ONSET; ACID ALPHA-GLUCOSIDASE DEFICIENCY, INFANTILE-ONSET; GAA DEFICIENCY, INFANTILE-ONSET; ACID MALTASE DEFICIENCY, INFANTILE-ONSET. Identifiers: Orphanet 365, MedGen C0017921, MONDO:0009290, OMIM 232300.

Allele frequency attached by ClinVar (database versions not stated): TOPMed below 0.00001.
gnomAD v4.1: 1 of 1,612,052 alleles (0.000062%); highest among the groups gnomAD compares: Non-Finnish European, 0.000085%; no homozygotes.

Submission:

Labcorp Genetics (formerly Invitae), Labcorp
Classification: Uncertain significance for Glycogen storage disease, type II. Last evaluated: 2022-02-18. Review status: criteria provided, single submitter. Criteria: Invitae Variant Classification Sherloc (09022015). Collection method: clinical testing. Allele origin: germline.
Comment: This sequence change replaces proline, which is neutral and non-polar, with serine, which is neutral and polar, at codon 788 of the GAA protein (p.Pro788Ser). This variant is not present in population databases (gnomAD no frequency). This variant has not been reported in the literature in individuals affected with GAA-related conditions. Advanced modeling of protein sequence and biophysical properties (such as structural, functional, and spatial information, amino acid conservation, physicochemical variation, residue mobility, and thermodynamic stability) performed at Invitae indicates that this missense variant is not expected to disrupt GAA protein function. In summary, the available evidence is currently insufficient to determine the role of this variant in disease. Therefore, it has been classified as a Variant of Uncertain Significance.

NM_000152.5(GAA):c.2362C>T (p.Pro788Ser)

Gene: GAA (alpha glucosidase; plus strand). Cytogenetic location: 17q25.3.
Variant type: single nucleotide variant.
Coding change: c.2362C>T on transcript NM_000152.5 (MANE Select); coding-DNA position 2362, C replaced by T.
Protein change: p.Pro788Ser; replaces proline 788 with serine.
Molecular consequence: missense variant.
Genome position (GRCh38, 1-based): chr17:80,117,630, C>T. VCF-style: chr17-80117630-C-T. GRCh37 (hg19) VCF-style: chr17-78091429-C-T.
Other names: c.2362C>T, p.Pro788Ser (NM_001079803.3, NM_001079804.3, NM_001406741.1 and 1 more transcripts); short protein forms P788S.
Identifiers: ClinVar variation 1911565 (VCV001911565.2), dbSNP rs2039384789, ClinGen allele CA401325029.
Genomic context (GRCh38, chr17:80,117,630, plus strand): 5'-CAGAATCCTCAAAGCAACATCTCCCTCCAGGTGCCAGTAGAGGCCCTTGGCAGCCTCCCA[C>T]CCCCACCTGCAGCTCCCCGTGAGCCAGCCATCCACAGCGAGGGGCAGTGGGTGACGCTGC-3'
Protein context (NP_000143.2, residues 778-798): VPVEALGSLP[Pro788Ser]PPAAPREPAI